The following is an entry in ClinVar:

ClinVar aggregate classification (germline): Uncertain significance. Review status: criteria provided, multiple submitters, no conflicts (2 of 4 stars). 2 submissions from 2 submitters: Uncertain significance (2). Last evaluated 2025-08-18.

Allele frequency attached by ClinVar (database versions not stated): ExAC 0.00001; gnomAD exomes 0.00001; gnomAD 0.00002; TOPMed 0.00003.
gnomAD v4.1: 17 of 1,614,016 alleles (0.0011%); highest among the groups gnomAD compares: Middle Eastern, 0.016%; no homozygotes.

Submissions (2):

Labcorp Genetics (formerly Invitae), Labcorp
Classification: Uncertain significance. Last evaluated: 2025-08-18. Review status: criteria provided, single submitter. Criteria: Invitae Variant Classification Sherloc (09022015). Collection method: clinical testing. Allele origin: germline.
Comment: This sequence change replaces isoleucine, which is neutral and non-polar, with valine, which is neutral and non-polar, at codon 474 of the HTRA1 protein (p.Ile474Val). This variant is present in population databases (rs749794778, gnomAD 0.003%). This variant has not been reported in the literature in individuals affected with HTRA1-related conditions. ClinVar contains an entry for this variant (Variation ID: 1925143). Invitae Evidence Modeling of protein sequence and biophysical properties (such as structural, functional, and spatial information, amino acid conservation, physicochemical variation, residue mobility, and thermodynamic stability) indicates that this missense variant is not expected to disrupt HTRA1 protein function with a negative predictive value of 95%. In summary, the available evidence is currently insufficient to determine the role of this variant in disease. Therefore, it has been classified as a Variant of Uncertain Significance.

Blueprint Genetics
Classification: Uncertain significance. Last evaluated: 2023-05-24. Review status: criteria provided, single submitter. Criteria: ACMG Guidelines, 2015. Collection method: clinical testing. Allele origin: germline.

NM_002775.5(HTRA1):c.1420A>G (p.Ile474Val)

Gene: HTRA1 (HtrA serine peptidase 1; plus strand). Cytogenetic location: 10q26.13.
Variant type: single nucleotide variant.
Coding change: c.1420A>G on transcript NM_002775.5 (MANE Select); coding-DNA position 1420, A replaced by G.
Protein change: p.Ile474Val; replaces isoleucine 474 with valine.
Molecular consequence: missense variant.
Genome position (GRCh38, 1-based): chr10:122,514,336, A>G. VCF-style: chr10-122514336-A-G. GRCh37 (hg19) VCF-style: chr10-124273852-A-G.
Other names: short protein forms I474V.
Identifiers: ClinVar variation 1925143 (VCV001925143.6), dbSNP rs749794778, ClinGen allele CA5726175.